The following is an entry in ClinVar:

NM_001142800.2(EYS):c.5630G>A (p.Arg1877Gln)

Gene: EYS (EGF-like photoreceptor maintenance factor; minus strand). Cytogenetic location: 6q12.
Variant type: single nucleotide variant.
Coding change: c.5630G>A on transcript NM_001142800.2 (MANE Select); coding-DNA position 5630, G replaced by A.
Protein change: p.Arg1877Gln; replaces arginine 1877 with glutamine.
Molecular consequence: missense variant.
Genome position (GRCh38, 1-based): chr6:64,590,237, C>T on the plus strand (G>A on the coding strand, the complement: EYS is on the minus strand). VCF-style: chr6-64590237-C-T. GRCh37 (hg19) VCF-style: chr6-65300130-C-T.
Other names: c.5630G>A, p.Arg1877Gln (NM_001292009.2); short protein forms R1877Q.
Identifiers: ClinVar variation 851492 (VCV000851492.5), dbSNP rs780006257, ClinGen allele CA140340857.
Genomic context (GRCh38, chr6:64,590,237, plus strand): 5'-GAAACTCATTTCTAAAAGTTTACTGAACAGAAACTGAGAAACTCACCAGAAATCATCAGC[C>T]GTTGAGGTGCCAGAATGGATTCCAGTGAAGACAAAGTAAGAGATCTAGTGAAGGGAAGAT-3'
Protein context (NP_001136272.1, residues 1867-1887): SSLESILAPQ[Arg1877Gln]LMISDFSCVR

ClinVar aggregate classification (germline): Uncertain significance. Review status: criteria provided, multiple submitters, no conflicts (2 of 4 stars). 3 submissions from 3 submitters: Uncertain significance (2). 1 of the submissions does not count toward it. Last evaluated 2025-03-17.

Conditions:
Retinal dystrophy. Also called: Inherited retinal dystrophy. Identifiers: Orphanet 71862, MedGen C0854723, MeSH D058499, MONDO:0019118, HP:0000556.
Autosomal recessive retinitis pigmentosa. Identifiers: MedGen C0339526.

Allele frequency attached by ClinVar (database versions not stated): TOPMed 0.00005.
gnomAD v4.1: 117 of 1,543,850 alleles (0.0076%); highest among the groups gnomAD compares: Non-Finnish European, 0.0095%; no homozygotes.

Submissions (3):

Labcorp Genetics (formerly Invitae), Labcorp
Classification: Uncertain significance. Last evaluated: 2025-03-17. Review status: criteria provided, single submitter. Criteria: Invitae Variant Classification Sherloc (09022015). Collection method: clinical testing. Allele origin: germline.
Comment: This sequence change replaces arginine, which is basic and polar, with glutamine, which is neutral and polar, at codon 1877 of the EYS protein (p.Arg1877Gln). This variant is present in population databases (rs780006257, gnomAD 0.009%). This variant has not been reported in the literature in individuals affected with EYS-related conditions. ClinVar contains an entry for this variant (Variation ID: 851492). Invitae Evidence Modeling of protein sequence and biophysical properties (such as structural, functional, and spatial information, amino acid conservation, physicochemical variation, residue mobility, and thermodynamic stability) indicates that this missense variant is not expected to disrupt EYS protein function with a negative predictive value of 80%. In summary, the available evidence is currently insufficient to determine the role of this variant in disease. Therefore, it has been classified as a Variant of Uncertain Significance.

Dept Of Ophthalmology, Nagoya University
Classification: Uncertain significance for Retinal dystrophy. Last evaluated: 2023-10-01. Review status: criteria provided, single submitter. Criteria: Submitter's publication. Collection method: research. Allele origin: germline. Affected: yes.

Natera, Inc.
Classification: Uncertain significance for Autosomal recessive retinitis pigmentosa. Last evaluated: 2020-10-21. Review status: no assertion criteria provided. Collection method: clinical testing. Allele origin: germline. Not counted in ClinVar's aggregate classification.